The following is an entry in ClinVar:

ClinVar aggregate classification (germline): Uncertain significance. Review status: criteria provided, multiple submitters, no conflicts (2 of 4 stars). 2 submissions from 2 submitters: Uncertain significance (2). Last evaluated 2022-03-16.

Conditions:
Hereditary cancer-predisposing syndrome. Also called: Neoplastic Syndromes, Hereditary; Tumor predisposition; Hereditary Cancer Syndrome; Hereditary neoplastic syndrome. Identifiers: Orphanet 140162, MedGen C0027672, MeSH D009386, MONDO:0015356.
Xeroderma pigmentosum, group G (XPG). Also called: XERODERMA PIGMENTOSUM VII; XP, GROUP G; Xeroderma pigmentosum type 7; ERCC5-Related Xeroderma Pigmentosum. Identifiers: MedGen C0268141, MONDO:0010216, OMIM 278780.

Allele frequency attached by ClinVar (database versions not stated): gnomAD 0.00001; gnomAD exomes 0.00001 and 0.00002; ExAC 0.00002; TOPMed 0.00003.
gnomAD v4.1: 20 of 1,614,030 alleles (0.0012%); highest among the groups gnomAD compares: Middle Eastern, 0.017%; no homozygotes.

Submissions (2):

Sema4
Classification: Uncertain significance for Hereditary cancer-predisposing syndrome. Last evaluated: 2022-03-16. Review status: criteria provided, single submitter. Criteria: Sema4 Curation Guidelines. Collection method: curation. Allele origin: germline.
Comment: The ERCC5 c.127C>T (p.R43W) variant has not been reported in the literature to our knowledge. It was observed in 5/251384 chromosomes across populations in the large and broad cohorts of the Genome Aggregation Database (PMID: 32461654). The variant has been reported in ClinVar (Variation ID 310911). Functional studies have not been performed, and in silico predictions of the variant's effect on protein function are inconclusive. The evidence is insufficient to meet ACMG/AMP criteria for classifying the variant as benign or pathogenic. Thus, the clinical significance of this variant is currently uncertain.

Illumina Laboratory Services, Illumina
Classification: Uncertain significance for Xeroderma pigmentosum, group G. Last evaluated: 2018-01-13. Review status: criteria provided, single submitter. Criteria: ICSL Variant Classification Criteria 13 December 2019. Collection method: clinical testing. Allele origin: germline.

NM_000123.4(ERCC5):c.127C>T (p.Arg43Trp)

Genes: BIVM-ERCC5 (BIVM-ERCC5 readthrough; plus strand), ERCC5 (ERCC excision repair 5, endonuclease; plus strand). Cytogenetic location: 13q33.1.
Variant type: single nucleotide variant.
Coding change: c.127C>T on transcript NM_000123.4 (MANE Select); coding-DNA position 127, C replaced by T.
Protein change: p.Arg43Trp; replaces arginine 43 with tryptophan.
Molecular consequence: missense variant.
Genome position (GRCh38, 1-based): chr13:102,852,156, C>T. VCF-style: chr13-102852156-C-T. GRCh37 (hg19) VCF-style: chr13-103504506-C-T.
Other names: c.1489C>T, p.Arg497Trp (NM_001204425.2); short protein forms R43W, R497W.
Identifiers: ClinVar variation 310911 (VCV000310911.6), dbSNP rs750156480, ClinGen allele CA7041057.